The following is an entry in ClinVar:

ClinVar aggregate classification (germline): Uncertain significance (1 of 4 stars; one submission).

Conditions:
BAP1-related tumor predisposition syndrome (TPDS1). Also called: TUMOR PREDISPOSITION SYNDROME 1; BAP1 tumor predisposition syndrome; Tumor susceptibility linked to germline BAP1 mutations; COMMON Syndrome. Identifiers: Orphanet 289539, MedGen C3280492, MONDO:0013692, OMIM 614327.

Submission:

Labcorp Genetics (formerly Invitae), Labcorp
Classification: Uncertain significance for BAP1-related tumor predisposition syndrome. Last evaluated: 2019-09-24. Review status: criteria provided, single submitter. Criteria: Invitae Variant Classification Sherloc (09022015). Collection method: clinical testing. Allele origin: germline.
Comment: In summary, the available evidence is currently insufficient to determine the role of this variant in disease. Therefore, it has been classified as a Variant of Uncertain Significance. Experimental studies and prediction algorithms are not available or were not evaluated, and the functional significance of this variant is currently unknown. This variant has not been reported in the literature in individuals with BAP1-related conditions. This variant is not present in population databases (ExAC no frequency). This variant, c.1435_1437del, results in the deletion of 1 amino acid(s) of the BAP1 protein (p.Pro479del), but otherwise preserves the integrity of the reading frame.

NM_004656.4(BAP1):c.1435_1437del (p.Pro479del)

Gene: BAP1 (BRCA1 associated deubiquitinase 1; minus strand). Cytogenetic location: 3p21.1.
Variant type: Deletion.
Coding change: c.1435_1437del on transcript NM_004656.4 (MANE Select); coding-DNA positions 1435 to 1437, 3 bases deleted (CCC; older notation c.1435_1437delCCC).
Protein change: p.Pro479del; deletes proline 479.
Molecular consequence: inframe deletion.
Genome position (GRCh38, 1-based): chr3:52,403,708-52,403,710, GGG deleted on the plus strand (CCC on the coding strand, the reverse complement: BAP1 is on the minus strand). VCF-style (leftmost placement, unchanged base first): chr3-52403707-TGGG-T. GRCh37 (hg19) VCF-style: chr3-52437723-TGGG-T.
Other names: short protein forms P479del.
Identifiers: ClinVar variation 940230 (VCV000940230.7), dbSNP rs1705051349, ClinGen allele CA1139658117.